The following is an entry in ClinVar:

ClinVar aggregate classification (germline): Likely benign (1 of 4 stars; one submission).

Submission:

CeGaT Center for Human Genetics Tuebingen
Classification: Likely benign. Last evaluated: 2023-01-01. Review status: criteria provided, single submitter. Criteria: CeGaT Center For Human Genetics Tuebingen Variant Classification Criteria Version 2. Collection method: clinical testing. Allele origin: germline. Affected: yes. Observed: 1 variant allele.
Comment: MUC12: PM2:Supporting, BP4, BP7

NM_001164462.2(MUC12):c.3198A>G (p.Thr1066=)

Gene: MUC12 (mucin 12, cell surface associated; plus strand). Cytogenetic location: 7q22.1.
Variant type: single nucleotide variant.
Coding change: c.3198A>G on transcript NM_001164462.2 (MANE Select); coding-DNA position 3198, A replaced by G.
Protein change: p.Thr1066=; no amino-acid change (threonine 1066 retained).
Molecular consequence: synonymous variant.
Genome position (GRCh38, 1-based): chr7:100,993,761, A>G. VCF-style: chr7-100993761-A-G. GRCh37 (hg19) VCF-style: chr7-100637042-A-G.
Identifiers: ClinVar variation 2657805 (VCV002657805.24), dbSNP rs2485752903, ClinGen allele CA456908383.